The following is an entry in ClinVar:

ClinVar aggregate classification (germline): Uncertain significance (1 of 4 stars; one submission).

Allele frequency attached by ClinVar (database versions not stated): gnomAD 0.00001.
gnomAD v4.1: 1 of 1,609,722 alleles (0.000062%); highest among the groups gnomAD compares: African/African-American, 0.0013%; no homozygotes.

Submission:

Ambry Genetics
Classification: Uncertain significance. Last evaluated: 2025-08-05. Review status: criteria provided, single submitter. Criteria: Ambry Variant Classification Scheme 2023. Collection method: clinical testing. Allele origin: germline.
Comment: The p.G178R variant (also known as c.532G>C), located in coding exon 1 of the EGLN1 gene, results from a G to C substitution at nucleotide position 532. The glycine at codon 178 is replaced by arginine, an amino acid with dissimilar properties. This amino acid position is conserved. In addition, this alteration is predicted to be tolerated by in silico analysis. Since supporting evidence is limited at this time, the clinical significance of this alteration remains unclear.

NM_022051.3(EGLN1):c.532G>C (p.Gly178Arg)

Gene: EGLN1 (egl-9 family hypoxia inducible factor 1; minus strand). Cytogenetic location: 1q42.2.
Variant type: single nucleotide variant.
Coding change: c.532G>C on transcript NM_022051.3 (MANE Select); coding-DNA position 532, G replaced by C.
Protein change: p.Gly178Arg; replaces glycine 178 with arginine.
Molecular consequence: missense variant.
Genome position (GRCh38, 1-based): chr1:231,421,357, C>G on the plus strand (G>C on the coding strand, the complement: EGLN1 is on the minus strand). VCF-style: chr1-231421357-C-G. GRCh37 (hg19) VCF-style: chr1-231557103-C-G.
Other names: c.532G>C, p.Gly178Arg (NM_001377260.1, NM_001377261.1); short protein forms G178R.
Identifiers: ClinVar variation 1746877 (VCV001746877.3), dbSNP rs1656588312, ClinGen allele CA345236719.